The following is an entry in ClinVar:

NM_198253.3(TERT):c.3251del (p.Arg1084fs)

Gene: TERT (telomerase reverse transcriptase; minus strand). Cytogenetic location: 5p15.33.
Variant type: Deletion.
Coding change: c.3251del on transcript NM_198253.3 (MANE Select); coding-DNA position 3251, one base deleted (G; older notation c.3251delG).
Protein change: p.Arg1084fs; shifts the reading frame from arginine 1084.
Molecular consequence: frameshift variant. On other transcripts: non-coding transcript variant (2).
Genome position (GRCh38, 1-based): chr5:1,254,412, C deleted on the plus strand (G on the coding strand, the reverse complement: TERT is on the minus strand). VCF-style (leftmost placement, unchanged base first): chr5-1254411-TC-T. GRCh37 (hg19) VCF-style: chr5-1254526-TC-T.
Other names: c.3062del, p.Arg1021fs (NM_001193376.3); c.3251delG, p.Arg1084Hisfs (NM_003219.1); short protein forms R1021fs, R1084fs.
Identifiers: ClinVar variation 2952739 (VCV002952739.3), dbSNP rs2478073730, ClinGen allele CA2740091651.

ClinVar aggregate classification (germline): Uncertain significance (1 of 4 stars; one submission).

Conditions:
Dyskeratosis congenita, autosomal dominant 2. Identifiers: MedGen C3151443, MONDO:0013521, OMIM 613989.
Idiopathic Pulmonary Fibrosis. Also called: Idiopathic fibrosing alveolitis, chronic form; idiopathic fibrosing alveolitis. Identifiers: Orphanet 2032, MedGen C1800706, MeSH D054990, MONDO:0800504.

Submission:

Labcorp Genetics (formerly Invitae), Labcorp
Classification: Uncertain significance for Dyskeratosis congenita, autosomal dominant 2; Idiopathic Pulmonary Fibrosis. Last evaluated: 2023-10-09. Review status: criteria provided, single submitter. Criteria: Invitae Variant Classification Sherloc (09022015). Collection method: clinical testing. Allele origin: germline.
Comment: This sequence change creates a premature translational stop signal (p.Arg1084Hisfs*20) in the TERT gene. While this is not anticipated to result in nonsense mediated decay, it is expected to disrupt the last 49 amino acid(s) of the TERT protein. This variant is not present in population databases (gnomAD no frequency). This variant has not been reported in the literature in individuals affected with TERT-related conditions. Experimental studies and prediction algorithms are not available or were not evaluated, and the functional significance of this variant is currently unknown. In summary, the available evidence is currently insufficient to determine the role of this variant in disease. Therefore, it has been classified as a Variant of Uncertain Significance.